The following is an entry in ClinVar:

NM_018896.5(CACNA1G):c.1629C>T (p.Ser543=)

Gene: CACNA1G (calcium voltage-gated channel subunit alpha1 G; plus strand). Cytogenetic location: 17q21.33.
Variant type: single nucleotide variant.
Coding change: c.1629C>T on transcript NM_018896.5 (MANE Select); coding-DNA position 1629, C replaced by T.
Protein change: p.Ser543=; no amino-acid change (serine 543 retained).
Molecular consequence: synonymous variant. On other transcripts: non-coding transcript variant (5).
Genome position (GRCh38, 1-based): chr17:50,576,031, C>T. VCF-style: chr17-50576031-C-T. GRCh37 (hg19) VCF-style: chr17-48653392-C-T.
Other names: c.1629C>T, p.Ser543= (NM_001256324.2, NM_001256325.2, NM_001256326.2 and 24 more transcripts).
Identifiers: ClinVar variation 2647903 (VCV002647903.25), dbSNP rs757031741, ClinGen allele CA8652206.

ClinVar aggregate classification (germline): Likely benign. Review status: criteria provided, multiple submitters, no conflicts (2 of 4 stars). 2 submissions from 2 submitters: Likely benign (2). Last evaluated 2023-01-01.

Allele frequency attached by ClinVar (database versions not stated): TOPMed 0.00001; gnomAD exomes 0.00002; ExAC 0.00004.
gnomAD v4.1: 22 of 1,568,610 alleles (0.0014%); highest among the groups gnomAD compares: East Asian, 0.014%; no homozygotes.

Submissions (2):

CeGaT Center for Human Genetics Tuebingen
Classification: Likely benign. Last evaluated: 2023-01-01. Review status: criteria provided, single submitter. Criteria: CeGaT Center For Human Genetics Tuebingen Variant Classification Criteria Version 2. Collection method: clinical testing. Allele origin: germline. Affected: yes. Observed: 1 variant allele.
Comment: CACNA1G: BP4, BP7

Blueprint Genetics
Classification: Likely benign. Last evaluated: 2022-05-06. Review status: criteria provided, single submitter. Criteria: ACMG Guidelines, 2015. Collection method: clinical testing. Allele origin: germline.